The following is an entry in ClinVar:

ClinVar aggregate classification (germline): Likely pathogenic. Review status: criteria provided, multiple submitters, no conflicts (2 of 4 stars). 2 submissions from 2 submitters: Likely pathogenic (2). Last evaluated 2026-06-19.

Conditions:
Neuronal ceroid lipofuscinosis. Also called: Neuronal Ceroid Lipofuscinoses. Identifiers: Orphanet 216, Orphanet 79263, MedGen C0027877, MONDO:0016295. Disease mechanism: loss of function.
Neuronal ceroid lipofuscinosis 3 (CLN3). Identifiers: Orphanet 228346, MedGen C0751383, MONDO:0008767, OMIM 204200.

Submissions (2):

Myriad Genetics, Inc.
Classification: Likely pathogenic for Neuronal ceroid lipofuscinosis 3. Last evaluated: 2026-06-19. Review status: criteria provided, single submitter. Criteria: Myriad Autosomal Dominant, Autosomal Recessive and X-Linked Classification Criteria (2023). Collection method: clinical testing. Allele origin: unknown.
Comment: NM_001042432.1(CLN3):c.790+1G>T is a variant in a canonical splice site classified as likely pathogenic in the context of CLN3-related disorders. c.790+1G>T has not been observed in cases with relevant disease. Relevant functional assessments of this variant are not available in the literature. c.790+1G>T has not been observed in referenced population frequency databases. In summary, NM_001042432.1(CLN3):c.790+1G>T is a variant in a canonical splice site in a gene where loss of function is a known mechanism of disease and is predicted to disrupt protein function. Please note: this variant was assessed in the context of healthy population screening.

Labcorp Genetics (formerly Invitae), Labcorp
Classification: Likely pathogenic for Neuronal ceroid lipofuscinosis. Last evaluated: 2023-12-14. Review status: criteria provided, single submitter. Criteria: Invitae Variant Classification Sherloc (09022015). Collection method: clinical testing. Allele origin: germline.
Comment: This sequence change affects a donor splice site in intron 10 of the CLN3 gene. It is expected to disrupt RNA splicing. Variants that disrupt the donor or acceptor splice site typically lead to a loss of protein function (PMID: 16199547), and loss-of-function variants in CLN3 are known to be pathogenic (PMID: 9311735, 28542676). This variant is not present in population databases (gnomAD no frequency). This variant has not been reported in the literature in individuals affected with CLN3-related conditions. Algorithms developed to predict the effect of sequence changes on RNA splicing suggest that this variant may disrupt the consensus splice site. In summary, the currently available evidence indicates that the variant is pathogenic, but additional data are needed to prove that conclusively. Therefore, this variant has been classified as Likely Pathogenic.

Literature cited by the submitters: PubMed 16199547 (cited by Labcorp Genetics (formerly Invitae), Labcorp); PubMed 9311735 (cited by Labcorp Genetics (formerly Invitae), Labcorp); PubMed 28542676 (cited by Labcorp Genetics (formerly Invitae), Labcorp).

NM_001042432.2(CLN3):c.790+1G>T

Gene: CLN3 (CLN3 lysosomal/endosomal transmembrane protein, battenin; minus strand). Cytogenetic location: 16p12.1.
Variant type: single nucleotide variant.
Coding change: c.790+1G>T on transcript NM_001042432.2 (MANE Select); the canonical splice donor site of the intron after coding-DNA position 790, G replaced by T.
Molecular consequence: splice donor variant.
Genome position (GRCh38, 1-based): chr16:28,484,005, C>A on the plus strand (G>T on the coding strand, the complement: CLN3 is on the minus strand). VCF-style: chr16-28484005-C-A. GRCh37 (hg19) VCF-style: chr16-28495326-C-A.
Other names: c.556+1G>T (NM_001286109.2); c.718+1G>T (NM_001286104.2); c.490+1G>T (NM_001286105.2); c.628+1G>T (NM_001286110.2); c.790+1G>T (NM_000086.2).
Identifiers: ClinVar variation 2703232 (VCV002703232.4), dbSNP rs1393064503, ClinGen allele CA395344685.
Genomic context (GRCh38, chr16:28,484,005, plus strand): 5'-GAGGAAAAGGCCAAACCCAGAGAGAAAGAAAGTGACCTCTCTGAGGGTCTGTGTCTCCTA[C>A]CTGGCTTCGACTCCGGGGCCTCGGTTCTTATGAGGGGCTGCCGGGCTGCGCTCTCTGCTT-3'